The following is an entry in ClinVar:

ClinVar aggregate classification (germline): Uncertain significance. Review status: criteria provided, multiple submitters, no conflicts (2 of 4 stars). 3 submissions from 3 submitters: Uncertain significance (3). Last evaluated 2025-12-09.

Conditions:
Inborn genetic diseases. Identifiers: MedGen C0950123, MeSH D030342.
Joubert syndrome 25 (JBTS25). Identifiers: Orphanet 475, MedGen C4084842, MONDO:0014770, OMIM 616781.

Submissions (3):

Ambry Genetics
Classification: Uncertain significance for Inborn genetic diseases. Last evaluated: 2025-12-09. Review status: criteria provided, single submitter. Criteria: Ambry Variant Classification Scheme 2023. Collection method: clinical testing. Allele origin: germline.

Labcorp Genetics (formerly Invitae), Labcorp
Classification: Uncertain significance for Joubert syndrome 25. Last evaluated: 2024-04-15. Review status: criteria provided, single submitter. Criteria: Invitae Variant Classification Sherloc (09022015). Collection method: clinical testing. Allele origin: germline.
Comment: This sequence change replaces arginine, which is basic and polar, with glutamine, which is neutral and polar, at codon 111 of the CEP104 protein (p.Arg111Gln). This variant is present in population databases (rs778307777, gnomAD 0.02%). This variant has not been reported in the literature in individuals affected with CEP104-related conditions. An algorithm developed to predict the effect of missense changes on protein structure and function (PolyPhen-2) suggests that this variant is likely to be disruptive. In summary, the available evidence is currently insufficient to determine the role of this variant in disease. Therefore, it has been classified as a Variant of Uncertain Significance.

Blueprint Genetics
Classification: Uncertain significance. Last evaluated: 2024-03-04. Review status: criteria provided, single submitter. Criteria: ACMG Guidelines, 2015. Collection method: clinical testing. Allele origin: germline.

NM_014704.4(CEP104):c.332G>A (p.Arg111Gln)

Gene: CEP104 (centrosomal protein 104; minus strand). Cytogenetic location: 1p36.32.
Variant type: single nucleotide variant.
Coding change: c.332G>A on transcript NM_014704.4 (MANE Select); coding-DNA position 332, G replaced by A.
Protein change: p.Arg111Gln; replaces arginine 111 with glutamine.
Molecular consequence: missense variant.
Genome position (GRCh38, 1-based): chr1:3,847,569, C>T on the plus strand (G>A on the coding strand, the complement: CEP104 is on the minus strand). VCF-style: chr1-3847569-C-T. GRCh37 (hg19) VCF-style: chr1-3764133-C-T.
Other names: c.332G>A (NM_014704.3); short protein forms R111Q.
Identifiers: ClinVar variation 3704008 (VCV003704008.4).